The following is an entry in ClinVar:

ClinVar aggregate classification (germline): Uncertain significance (1 of 4 stars; one submission).

Submission:

GeneDx
Classification: Uncertain significance. Last evaluated: 2026-02-03. Review status: criteria provided, single submitter. Criteria: GeneDx Variant Classification Process June 2021. Collection method: clinical testing. Allele origin: germline.
Comment: Not observed at significant frequency in large population cohorts (gnomAD); In silico analysis suggests that this missense variant does not alter protein structure/function; Has not been previously published as pathogenic or benign to our knowledge

NM_020922.5(WNK3):c.3593C>T (p.Ser1198Leu)

Gene: WNK3 (WNK lysine deficient protein kinase 3; minus strand). Cytogenetic location: Xp11.22.
Variant type: single nucleotide variant.
Coding change: c.3593C>T on transcript NM_020922.5 (MANE Select); coding-DNA position 3593, C replaced by T.
Protein change: p.Ser1198Leu; replaces serine 1198 with leucine.
Molecular consequence: missense variant.
Genome position (GRCh38, 1-based): chrX:54,248,755, G>A on the plus strand (C>T on the coding strand, the complement: WNK3 is on the minus strand). VCF-style: chrX-54248755-G-A. GRCh37 (hg19) VCF-style: chrX-54275188-G-A.
Other names: c.3593C>T, p.Ser1198Leu (NM_001002838.4, NM_001395166.1); short protein forms S1198L.
Identifiers: ClinVar variation 4976108 (VCV004976108.1).